The following is an entry in ClinVar:

ClinVar aggregate classification (germline): Pathogenic (1 of 4 stars; one submission).

Conditions:
Holocarboxylase synthetase deficiency. Also called: MULTIPLE CARBOXYLASE DEFICIENCY, EARLY ONSET. Identifiers: Orphanet 79242, MedGen C0268581, MONDO:0009666, OMIM 253270.

Submission:

Myriad Genetics, Inc.
Classification: Pathogenic for Holocarboxylase synthetase deficiency. Last evaluated: 2025-11-17. Review status: criteria provided, single submitter. Criteria: Myriad Autosomal Dominant, Autosomal Recessive and X-Linked Classification Criteria (2023). Collection method: clinical testing. Allele origin: unknown.
Comment: NM_000411.6(HLCS):c.1694delG(R565Qfs*2) is expected to be pathogenic in the context of holocarboxylase synthetase deficiency. This variant is predicted to lead to an abnormal or absent protein product due to the creation of a premature termination codon in HLCS, a gene where loss-of-function variants are known to be pathogenic. Please note: this variant was assessed in the context of healthy population screening.

NM_001352514.2(HLCS):c.2135del (p.Arg712fs)

Gene: HLCS (holocarboxylase synthetase; minus strand). Cytogenetic location: 21q22.13.
Variant type: Deletion.
Coding change: c.2135del on transcript NM_001352514.2 (MANE Select); coding-DNA position 2135, one base deleted (G; older notation c.2135delG).
Protein change: p.Arg712fs; shifts the reading frame from arginine 712.
Molecular consequence: frameshift variant. On other transcripts: non-coding transcript variant (2).
Genome position (GRCh38, 1-based): chr21:36,759,828, C deleted on the plus strand (G on the coding strand, the reverse complement: HLCS is on the minus strand). VCF-style (leftmost placement, unchanged base first): chr21-36759827-TC-T. GRCh37 (hg19) VCF-style: chr21-38132128-TC-T.
Other names: c.1694del, p.Arg565fs (NM_000411.8, NM_001242784.3, NM_001242785.2 and 4 more transcripts); short protein forms R565fs, R712fs.
Identifiers: ClinVar variation 5015230 (VCV005015230.1).